The following is an entry in ClinVar:

NM_006885.4(ZFHX3):c.10558GGC[9] (p.Gly3527_Ser3528insGly)

Genes: ZFHX3 (zinc finger homeobox 3; minus strand), ZFHX3-AS1 (ZFHX3 antisense RNA 1; plus strand). Cytogenetic location: 16q22.2.
Variant type: Microsatellite.
Coding change: c.10558GGC[9] on transcript NM_006885.4 (MANE Select); nine copies in a row of the 3-base unit GGC starting at c.10558; the reference has eight copies in a row; one copy, 3 bases duplicated.
Protein change: p.Gly3527_Ser3528insGly.
Molecular consequence: inframe insertion.
Genome position (GRCh38, 1-based): chr16:72,787,695-72,787,697, GCC duplicated on the plus strand (GGC on the coding strand, the reverse complement: ZFHX3 is on the minus strand); duplicating any 3 consecutive bases within chr16:72,787,695-72,787,718 gives the same sequence; the position shown is the placement nearest the transcript's 3' end. VCF-style (leftmost placement, unchanged base first): chr16-72787694-A-AGCC. GRCh37 (hg19) VCF-style: chr16-72821593-A-AGCC.
Other names: c.7816GGC[9], p.Gly2613_Ser2614insGly (NM_001164766.2); c.10558GGC[9], p.Gly3527_Ser3528insGly (NM_001386735.1); c.10579_10581dupGGC (NM_006885.3).
Identifiers: ClinVar variation 3056720 (VCV003056720.2), dbSNP rs374416547, ClinGen allele CA8162364.

ClinVar aggregate classification (germline): Benign (0 of 4 stars; one submission).

Conditions:
ZFHX3-related disorder. Also called: ZFHX3-related condition.

Submission:

PreventionGenetics, part of Exact Sciences
Classification: Benign for ZFHX3-related condition. Last evaluated: 2019-06-27. Review status: no assertion criteria provided. Collection method: clinical testing. Allele origin: germline.
Comment: This variant is classified as benign based on ACMG/AMP sequence variant interpretation guidelines (Richards et al. 2015 PMID: 25741868, with internal and published modifications).